The following is an entry in ClinVar:

ClinVar aggregate classification (germline): Uncertain significance (1 of 4 stars; one submission).

Conditions:
Congenital glucose-galactose malabsorption (GGM). Also called: DIARRHEA 16; MONOSACCHARIDE MALABSORPTION. Identifiers: Orphanet 35710, MedGen C0268186, MONDO:0011731, OMIM 606824.

Submission:

Labcorp Genetics (formerly Invitae), Labcorp
Classification: Uncertain significance for Congenital glucose-galactose malabsorption. Last evaluated: 2024-01-17. Review status: criteria provided, single submitter. Criteria: Invitae Variant Classification Sherloc (09022015). Collection method: clinical testing. Allele origin: germline.
Comment: This sequence change replaces glutamine, which is neutral and polar, with histidine, which is basic and polar, at codon 457 of the SLC5A1 protein (p.Gln457His). This variant is not present in population databases (gnomAD no frequency). This variant has not been reported in the literature in individuals affected with SLC5A1-related conditions. ClinVar contains an entry for this variant (Variation ID: 1402381). Advanced modeling of protein sequence and biophysical properties (such as structural, functional, and spatial information, amino acid conservation, physicochemical variation, residue mobility, and thermodynamic stability) performed at Invitae indicates that this missense variant is not expected to disrupt SLC5A1 protein function with a negative predictive value of 80%. This variant disrupts the p.Gln457 amino acid residue in SLC5A1. Other variant(s) that disrupt this residue have been determined to be pathogenic (PMID: 9815014, 12139397, 19167319; Invitae). This suggests that this residue is clinically significant, and that variants that disrupt this residue are likely to be disease-causing. In summary, the available evidence is currently insufficient to determine the role of this variant in disease. Therefore, it has been classified as a Variant of Uncertain Significance.

Literature cited by the submitters: PubMed 9815014; PubMed 12139397; PubMed 19167319.

NM_000343.4(SLC5A1):c.1371G>C (p.Gln457His)

Gene: SLC5A1 (solute carrier family 5 member 1; plus strand). Cytogenetic location: 22q12.3.
Variant type: single nucleotide variant.
Coding change: c.1371G>C on transcript NM_000343.4 (MANE Select); coding-DNA position 1371, G replaced by C.
Protein change: p.Gln457His; replaces glutamine 457 with histidine.
Molecular consequence: missense variant.
Genome position (GRCh38, 1-based): chr22:32,099,273, G>C. VCF-style: chr22-32099273-G-C. GRCh37 (hg19) VCF-style: chr22-32495260-G-C.
Other names: c.990G>C, p.Gln330His (NM_001256314.2); short protein forms Q330H, Q457H.
Identifiers: ClinVar variation 1402381 (VCV001402381.8), dbSNP rs2149496672, ClinGen allele CA411311676.
Genomic context (GRCh38, chr22:32,099,273, plus strand): 5'-CATCGCCTGGGTGCCCATTGTGCAGTCAGCACAAAGTGGGCAACTCTTCGATTACATCCA[G>C]TCCATCACCAGTTACTTGGGACCACCCATTGCGGCTGTCTTCCTGCTTGCTATTTTCTGG-3'
Protein context (NP_000334.1, residues 447-467): AQSGQLFDYI[Gln457His]SITSYLGPPI